The following is an entry in ClinVar:

NM_018671.5(UNC45A):c.984C>G (p.Leu328=)

Gene: UNC45A (unc-45 myosin chaperone A; plus strand). Cytogenetic location: 15q26.1.
Variant type: single nucleotide variant.
Coding change: c.984C>G on transcript NM_018671.5 (MANE Select); coding-DNA position 984, C replaced by G.
Protein change: p.Leu328=; no amino-acid change (leucine 328 retained).
Molecular consequence: synonymous variant.
Genome position (GRCh38, 1-based): chr15:90,943,039, C>G. VCF-style: chr15-90943039-C-G. GRCh37 (hg19) VCF-style: chr15-91486269-C-G.
Other names: c.939C>G, p.Leu313= (NM_001039675.2, NM_001323621.2); c.984C>G, p.Leu328= (NM_001323619.1); c.549C>G, p.Leu183= (NM_001323620.2).
Identifiers: ClinVar variation 1631653 (VCV001631653.10), dbSNP rs147464292, ClinGen allele CA7742738.

ClinVar aggregate classification (germline): Benign. Review status: criteria provided, single submitter (1 of 4 stars). 2 submissions from 2 submitters: Benign (1). 1 of the submissions does not count toward it. Last evaluated 2025-11-17.

Conditions:
UNC45A-related disorder. Also called: UNC45A-related condition.

Allele frequency attached by ClinVar (database versions not stated): ExAC 0.00023; gnomAD exomes 0.00025; gnomAD 0.00066 and 0.00069; ESP Exome Variant Server 0.00069; TOPMed 0.00076; 1000 Genomes Project 30x 0.00094; 1000 Genomes Project 0.00120.
gnomAD v4.1: 236 of 1,614,108 alleles (0.015%); highest among the groups gnomAD compares: African/African-American, 0.22%; no homozygotes.

Submissions (2):

Labcorp Genetics (formerly Invitae), Labcorp
Classification: Benign. Last evaluated: 2025-11-17. Review status: criteria provided, single submitter. Criteria: Invitae Variant Classification Sherloc (09022015). Collection method: clinical testing. Allele origin: germline.

PreventionGenetics, part of Exact Sciences
Classification: Likely benign for UNC45A-related condition. Last evaluated: 2023-03-21. Review status: no assertion criteria provided. Collection method: clinical testing. Allele origin: germline. Not counted in ClinVar's aggregate classification.
Comment: This variant is classified as likely benign based on ACMG/AMP sequence variant interpretation guidelines (Richards et al. 2015 PMID: 25741868, with internal and published modifications).